The following is an entry in ClinVar:

ClinVar aggregate classification (germline): Likely benign. Review status: criteria provided, multiple submitters, no conflicts (2 of 4 stars). 2 submissions from 2 submitters: Likely benign (2). Last evaluated 2023-07-10.

Conditions:
Emery-Dreifuss muscular dystrophy 4, autosomal dominant (EDMD4). Also called: EMERY-DREIFUSS MUSCULAR DYSTROPHY 4 WITH VARIABLE FEATURES. Identifiers: Orphanet 261, MedGen C2751807, MONDO:0013071, OMIM 612998.
Autosomal recessive ataxia, Beauce type. Also called: SYNE1 Deficiency; Spinocerebellar ataxia, autosomal recessive 8; ATAXIA, RECESSIVE, OF BEAUCE; SYNE1-Related Autosomal Recessive Cerebellar Ataxia. Identifiers: Orphanet 88644, MedGen C1853116, MONDO:0012549, OMIM 610743.

Allele frequency attached by ClinVar (database versions not stated): ExAC 0.00002; gnomAD 0.00002 and 0.00003; TOPMed 0.00003; 1000 Genomes Project 30x 0.00016; gnomAD exomes below 0.00001 and 0.00001; 1000 Genomes Project 0.00020.
gnomAD v4.1: 7 of 1,613,648 alleles (0.00043%); highest among the groups gnomAD compares: East Asian, 0.016%; no homozygotes.

Submissions (2):

Labcorp Genetics (formerly Invitae), Labcorp
Classification: Likely benign for Emery-Dreifuss muscular dystrophy 4, autosomal dominant; Autosomal recessive ataxia, Beauce type. Last evaluated: 2023-07-10. Review status: criteria provided, single submitter. Criteria: Invitae Variant Classification Sherloc (09022015). Collection method: clinical testing. Allele origin: germline.

GeneDx
Classification: Likely benign. Last evaluated: 2017-03-29. Review status: criteria provided, single submitter. Criteria: GeneDx Variant Classification (06012015). Collection method: clinical testing. Allele origin: germline. Affected: yes.
Comment: This variant is considered likely benign or benign based on one or more of the following criteria: it is a conservative change, it occurs at a poorly conserved position in the protein, it is predicted to be benign by multiple in silico algorithms, and/or has population frequency not consistent with disease.

NM_182961.4(SYNE1):c.24313-8C>T

Gene: SYNE1 (spectrin repeat containing nuclear envelope protein 1; minus strand). Cytogenetic location: 6q25.2.
Variant type: single nucleotide variant.
Coding change: c.24313-8C>T on transcript NM_182961.4 (MANE Select); 8 bases into the intron before coding-DNA position 24313, C replaced by T.
Molecular consequence: intron variant.
Genome position (GRCh38, 1-based): chr6:152,151,698, G>A on the plus strand (C>T on the coding strand, the complement: SYNE1 is on the minus strand). VCF-style: chr6-152151698-G-A. GRCh37 (hg19) VCF-style: chr6-152472833-G-A.
Other names: c.24100-8C>T (NM_033071.5); c.919-8C>T (NM_001347701.2); c.778-8C>T (NM_001347702.2).
Identifiers: ClinVar variation 508469 (VCV000508469.12), dbSNP rs201008999, ClinGen allele CA4053204.
Genomic context (GRCh38, chr6:152,151,698, plus strand): 5'-ACCAGAATGCTGTCCCGCGCAGTCTCAAACTCCTCACGCTGGCCAATAAAATGCTGGAAG[G>A]CAAGAGGAAAGTAGTAACAATTATTTTTATTAAAAGTCCTTCTAAACATATGGAGATGGC-3'